The following is an entry in ClinVar:

NM_032588.4(TRIM63):c.280A>G (p.Arg94Gly)

Gene: TRIM63 (tripartite motif containing 63; minus strand). Cytogenetic location: 1p36.11.
Variant type: single nucleotide variant.
Coding change: c.280A>G on transcript NM_032588.4 (MANE Select); coding-DNA position 280, A replaced by G.
Protein change: p.Arg94Gly; replaces arginine 94 with glycine.
Molecular consequence: missense variant.
Genome position (GRCh38, 1-based): chr1:26,066,320, T>C on the plus strand (A>G on the coding strand, the complement: TRIM63 is on the minus strand). VCF-style: chr1-26066320-T-C. GRCh37 (hg19) VCF-style: chr1-26392811-T-C.
Other names: p.Arg94Gly; short protein forms R94G.
Identifiers: ClinVar variation 3379519 (VCV003379519.1).

ClinVar aggregate classification (germline): Uncertain significance (1 of 4 stars; one submission).

gnomAD v4.1: 3 of 1,614,134 alleles (0.00019%); highest among the groups gnomAD compares: Admixed American, 0.005%; no homozygotes.

Submission:

Mayo Clinic Laboratories, Mayo Clinic
Classification: Uncertain significance. Last evaluated: 2024-04-08. Review status: criteria provided, single submitter. Criteria: ACMG Guidelines, 2015. Collection method: clinical testing. Allele origin: germline. Observed: 1 variant allele.
Comment: PM1_supporting, PM2

Literature cited by the submitters: PubMed 11243782; PubMed 32451364.